The following is an entry in ClinVar:

ClinVar aggregate classification (germline): Uncertain significance. Review status: criteria provided, multiple submitters, no conflicts (2 of 4 stars). 2 submissions from 2 submitters: Uncertain significance (2). Last evaluated 2023-04-28.

Conditions:
Polyglucosan body myopathy type 1 (PGBM1). Also called: Polyglucosan body myopathy 1 with or without immunodeficiency; POLYGLUCOSAN BODY MYOPATHY WITHOUT IMMUNODEFICIENCY. Identifiers: Orphanet 329173, Orphanet 397937, MedGen C4014605, MONDO:0014389, OMIM 615895.
Inborn genetic diseases. Identifiers: MedGen C0950123, MeSH D030342.

Allele frequency attached by ClinVar (database versions not stated): gnomAD 0.00003; ExAC 0.00006.
gnomAD v4.1: 34 of 1,549,068 alleles (0.0022%); highest among the groups gnomAD compares: Non-Finnish European, 0.002%; no homozygotes.

Submissions (2):

Ambry Genetics
Classification: Uncertain significance for Inborn genetic diseases. Last evaluated: 2023-04-28. Review status: criteria provided, single submitter. Criteria: Ambry Variant Classification Scheme 2023. Collection method: clinical testing. Allele origin: germline.

Labcorp Genetics (formerly Invitae), Labcorp
Classification: Uncertain significance for Polyglucosan body myopathy type 1. Last evaluated: 2021-12-07. Review status: criteria provided, single submitter. Criteria: Invitae Variant Classification Sherloc (09022015). Collection method: clinical testing. Allele origin: germline.
Comment: This sequence change replaces glutamine, which is neutral and polar, with leucine, which is neutral and non-polar, at codon 257 of the RBCK1 protein (p.Gln257Leu). This variant is present in population databases (rs755744736, gnomAD 0.02%). This variant has not been reported in the literature in individuals affected with RBCK1-related conditions. Algorithms developed to predict the effect of missense changes on protein structure and function are either unavailable or do not agree on the potential impact of this missense change (SIFT: "Not Available"; PolyPhen-2: "Benign"; Align-GVGD: "Not Available"). In summary, the available evidence is currently insufficient to determine the role of this variant in disease. Therefore, it has been classified as a Variant of Uncertain Significance.

NM_031229.4(RBCK1):c.770A>T (p.Gln257Leu)

Gene: RBCK1 (RANBP2-type and C3HC4-type zinc finger containing 1; plus strand). Cytogenetic location: 20p13.
Variant type: single nucleotide variant.
Coding change: c.770A>T on transcript NM_031229.4 (MANE Select); coding-DNA position 770, A replaced by T.
Protein change: p.Gln257Leu; replaces glutamine 257 with leucine.
Molecular consequence: missense variant. On other transcripts: non-coding transcript variant (1), intron variant (2).
Genome position (GRCh38, 1-based): chr20:420,884, A>T. VCF-style: chr20-420884-A-T. GRCh37 (hg19) VCF-style: chr20-401528-A-T.
Other names: c.821A>T, p.Gln274Leu (NM_001410770.1); c.644A>T, p.Gln215Leu (NM_006462.6); c.407+1153A>T (NM_001323956.2, NM_001323958.2); c.770A>T (NM_031229.2); short protein forms Q257L, Q215L, Q274L.
Identifiers: ClinVar variation 2195927 (VCV002195927.3), dbSNP rs755744736, ClinGen allele CA9723196.
Genomic context (GRCh38, chr20:420,884, plus strand): 5'-GCCCCCGAGGCCCTGACCCGCCCCGTGGCCCCGCCCCGTGTGCCCAGCGGAAGCAGCAGC[A>T]GCAGGAGGGGAACTACCTGCAGCACGTCCAGCTGGACCAGAGGAGCCTGGTGCTGAACAC-3'
Protein context (NP_112506.2, residues 247-267): LRQYQQRKQQ[Gln257Leu]QEGNYLQHVQ